The following is an entry in ClinVar:

ClinVar aggregate classification (germline): Uncertain significance. Review status: criteria provided, multiple submitters, no conflicts (2 of 4 stars). 4 submissions from 4 submitters: Uncertain significance (4). Last evaluated 2024-10-04.

Conditions:
Inborn genetic diseases. Identifiers: MedGen C0950123, MeSH D030342.
Congenital hypomyelination neuropathy with or without arthrogryposis.

Allele frequency attached by ClinVar (database versions not stated): ExAC 0.00001; gnomAD exomes 0.00001 and 0.00005; gnomAD 0.00006.

Submissions (5):

Blueprint Genetics
Classification: Uncertain significance. Last evaluated: 2024-10-04. Review status: criteria provided, single submitter. Criteria: ACMG Guidelines, 2015. Collection method: clinical testing. Allele origin: germline.

Ambry Genetics
Classification: Uncertain significance for Inborn genetic diseases. Last evaluated: 2023-05-02. Review status: criteria provided, single submitter. Criteria: Ambry Variant Classification Scheme 2023. Collection method: clinical testing. Allele origin: germline.

Mayo Clinic Laboratories, Mayo Clinic
Classification: Uncertain significance. Last evaluated: 2022-08-03. Review status: criteria provided, single submitter. Criteria: ACMG Guidelines, 2015. Collection method: clinical testing. Allele origin: germline. Observed: 1 variant allele.
Comment: PM2

Illumina Laboratory Services, Illumina
Classification: Uncertain significance for Congenital hypomyelination neuropathy with or without arthrogryposis. Last evaluated: 2022-02-02. Review status: criteria provided, single submitter. Criteria: ICSLVariantClassificationCriteria RUGD 01 April 2020. Collection method: clinical testing. Allele origin: unknown.
Comment: The CNTNAP1 c.3521A>G (p.Asp1174Gly) missense variant results in the substitution of asparagine at amino acid position 1174 with glycine. To our knowledge, this variant has not been reported in the peer-reviewed literature. This variant is reported in the Genome Aggregation Database in nine alleles at a frequency of 0.000132 in the European (non-Finnish) population (version 3.1.2). Based on the available evidence, the c.3521A>G (p.Asp1174Gly) variant is classified as a variant of uncertain significance for congenital hypomyelination neuropathy with or without arthrogryposis.

Dr. Peter K. Rogan Lab, Western University
No classification provided (evidence only). Condition: Ovarian serous cystadenocarcinoma. Review status: no classification provided. Collection method: in vitro. Allele origin: not applicable. Functional consequence: retained intron. Not counted in ClinVar's aggregate classification.

NM_003632.3(CNTNAP1):c.3521A>G (p.Asp1174Gly)

Gene: CNTNAP1 (contactin associated protein 1; plus strand). Cytogenetic location: 17q21.2.
Variant type: single nucleotide variant.
Coding change: c.3521A>G on transcript NM_003632.3 (MANE Select); coding-DNA position 3521, A replaced by G.
Protein change: p.Asp1174Gly; replaces aspartic acid 1174 with glycine.
Molecular consequence: missense variant.
Genome position (GRCh38, 1-based): chr17:42,697,320, A>G. VCF-style: chr17-42697320-A-G. GRCh37 (hg19) VCF-style: chr17-40849338-A-G.
Other names: p.Asp1174Gly; NC_000017.10:g.40849338A>G; c.3521A>G (NM_003632.2); short protein forms D1174G.
Identifiers: ClinVar variation 1693284 (VCV001693284.8), dbSNP rs776396855, ClinGen allele CA8582365.